The following is an entry in ClinVar:

ClinVar aggregate classification (germline): Likely benign. Review status: criteria provided, single submitter (1 of 4 stars). 2 submissions from 2 submitters: Likely benign (1). 1 of the submissions does not count toward it. Last evaluated 2024-08-06.

Conditions:
OTOGL-related disorder. Also called: OTOGL-related condition.

Allele frequency attached by ClinVar (database versions not stated): TOPMed 0.00003; gnomAD exomes 0.00006; gnomAD 0.00009; ExAC 0.00012; 1000 Genomes Project 30x 0.00016; ESP Exome Variant Server 0.00017; 1000 Genomes Project 0.00020.
gnomAD v4.1: 108 of 1,606,790 alleles (0.0067%); highest among the groups gnomAD compares: South Asian, 0.053%; 1 homozygote.

Submissions (2):

Labcorp Genetics (formerly Invitae), Labcorp
Classification: Likely benign. Last evaluated: 2024-08-06. Review status: criteria provided, single submitter. Criteria: Invitae Variant Classification Sherloc (09022015). Collection method: clinical testing. Allele origin: germline.

PreventionGenetics, part of Exact Sciences
Classification: Likely benign for OTOGL-related condition. Last evaluated: 2024-01-04. Review status: no assertion criteria provided. Collection method: clinical testing. Allele origin: germline. Not counted in ClinVar's aggregate classification.
Comment: This variant is classified as likely benign based on ACMG/AMP sequence variant interpretation guidelines (Richards et al. 2015 PMID: 25741868, with internal and published modifications).

NM_001378609.3(OTOGL):c.5274G>A (p.Pro1758=)

Gene: OTOGL (otogelin like; plus strand). Cytogenetic location: 12q21.31.
Variant type: single nucleotide variant.
Coding change: c.5274G>A on transcript NM_001378609.3 (MANE Select); coding-DNA position 5274, G replaced by A.
Protein change: p.Pro1758=; no amino-acid change (proline 1758 retained).
Molecular consequence: synonymous variant.
Genome position (GRCh38, 1-based): chr12:80,352,303, G>A. VCF-style: chr12-80352303-G-A. GRCh37 (hg19) VCF-style: chr12-80746083-G-A.
Other names: c.5139G>A, p.Pro1713= (NM_001368062.3); c.5274G>A, p.Pro1758= (NM_001378610.3, NM_173591.7); c.5247G>A (NM_173591.3).
Identifiers: ClinVar variation 2158544 (VCV002158544.6), dbSNP rs375974605, ClinGen allele CA6701669.